The following is an entry in ClinVar:

NM_007294.4(BRCA1):c.5107T>G (p.Tyr1703Asp)

Gene: BRCA1 (BRCA1 DNA repair associated; minus strand). Cytogenetic location: 17q21.31.
Variant type: single nucleotide variant.
Coding change: c.5107T>G on transcript NM_007294.4 (MANE Select); coding-DNA position 5107, T replaced by G.
Protein change: p.Tyr1703Asp; replaces tyrosine 1703 with aspartic acid.
Molecular consequence: missense variant. On other transcripts: non-coding transcript variant (1).
Genome position (GRCh38, 1-based): chr17:43,063,919, A>C on the plus strand (T>G on the coding strand, the complement: BRCA1 is on the minus strand). VCF-style: chr17-43063919-A-C. GRCh37 (hg19) VCF-style: chr17-41215936-A-C.
Other names: 5226T>G; c.4771T>G, p.Tyr1591Asp (NM_001407953.1, NM_001407954.1, NM_001407955.1 and 3 more transcripts); c.4216T>G, p.Tyr1406Asp (NM_001407967.1); c.2503T>G, p.Tyr835Asp (NM_001407968.1); c.2500T>G, p.Tyr834Asp (NM_001407969.1); c.1864T>G, p.Tyr622Asp (NM_001407970.1, NM_001407971.1); c.1861T>G, p.Tyr621Asp (NM_001407972.1); c.1798T>G, p.Tyr600Asp (NM_001407973.1, NM_001407974.1, NM_001407975.1 and 3 more transcripts); and 72 more; short protein forms Y1703D, Y1724D, Y599D, Y1656D, Y1677D, Y1699D, Y291D, Y487D.
Identifiers: ClinVar variation 252884 (VCV000252884.11), dbSNP rs863224763, ClinGen allele CA10586112.
Genomic context (GRCh38, chr17:43,063,919, plus strand): 5'-TAGTATTATACTTACAGAAATAGCTAACTACCCATTTTCCTCCCGCAATTCCTAGAAAAT[A>C]TTTCAGTGTCCGTTCACACACAAACTCAGCATCTGCAGAATGAAAAACACTCAAAGGATT-3'
Protein context (NP_009225.1, residues 1693-1713): AEFVCERTLK[Tyr1703Asp]FLGIAGGKWV

ClinVar aggregate classification (germline): Likely pathogenic. Review status: criteria provided, multiple submitters, no conflicts (2 of 4 stars). 3 submissions from 3 submitters: Likely pathogenic (2). 1 of the submissions does not count toward it. Last evaluated 2024-12-14.

Conditions:
Hereditary breast ovarian cancer syndrome. Also called: Hereditary breast and ovarian cancer syndrome (HBOC); Breast and ovarian cancer; Hereditary breast and ovarian cancer syndrome; Hereditary breast and ovarian cancer; BRCA1- and BRCA2-Associated Hereditary Breast and Ovarian Cancer; Hereditary breast and/or ovarian cancer syndrome. Identifiers: Orphanet 145, MedGen C0677776, MeSH D061325, MONDO:0003582. Disease mechanism: loss of function.
Breast-ovarian cancer, familial, susceptibility to, 1 (BROVCA1). Also called: BRCA1 Hereditary Breast and Ovarian Cancer; OVARIAN CANCER, SUSCEPTIBILITY TO. Identifiers: Orphanet 145, MedGen C2676676, MONDO:0011450, OMIM 604370. Disease mechanism: loss of function.

Submissions (4):

Women's Health and Genetics/Laboratory Corporation of America, LabCorp
Classification: Likely pathogenic for Hereditary breast ovarian cancer syndrome. Last evaluated: 2024-12-14. Review status: criteria provided, single submitter. Criteria: LabCorp Variant Classification Summary - May 2015. Collection method: clinical testing. Allele origin: germline.
Comment: Variant summary: BRCA1 c.5107T>G (p.Tyr1703Asp) results in a non-conservative amino acid change located in the BRCT domain (IPR001357) of the encoded protein sequence. Four of five in-silico tools predict a damaging effect of the variant on protein function. The variant was absent in 251312 control chromosomes. To our knowledge, no occurrence of c.5107T>G in individuals affected with Hereditary Breast And Ovarian Cancer Syndrome has been reported. At least one publication reports experimental evidence evaluating an impact on protein function. The most pronounced variant effect results in loss of homology directed repair (HDR) activity in a high throughput assay measuring cellular fitness in a haploid cell line whose survival is dependent on intact BRCA1 function (Findlay_2018). HDR assays qualify as a recognized gold standard on the basis of updated guidance provided by the ClinGen Sequence Variant Interpretation (SVI) working group. This working group has recommended strong functional evidence (ACMG PS3) as sufficient weightage for categorization as likely pathogenic (Tavtigian_2018). The following publication have been ascertained in the context of this evaluation (PMID: 30209399). ClinVar contains an entry for this variant (Variation ID: 252884). Based on the evidence outlined above, the variant was classified as likely pathogenic.

Labcorp Genetics (formerly Invitae), Labcorp
Classification: Likely pathogenic for Hereditary breast ovarian cancer syndrome. Last evaluated: 2023-03-16. Review status: criteria provided, single submitter. Criteria: Invitae Variant Classification Sherloc (09022015). Collection method: clinical testing. Allele origin: germline.
Comment: In summary, the currently available evidence indicates that the variant is pathogenic, but additional data are needed to prove that conclusively. Therefore, this variant has been classified as Likely Pathogenic. This variant disrupts the p.Tyr1703 amino acid residue in BRCA1. Other variant(s) that disrupt this residue have been determined to be pathogenic (PMID: 25948282, 30209399; Invitae). This suggests that this residue is clinically significant, and that variants that disrupt this residue are likely to be disease-causing. Advanced modeling performed at Invitae incorporating data from internal and/or published experimental studies (PMID: 30209399) indicates that this missense variant is expected to disrupt BRCA1 function. ClinVar contains an entry for this variant (Variation ID: 252884). This variant has not been reported in the literature in individuals affected with BRCA1-related conditions. This variant is not present in population databases (gnomAD no frequency). This sequence change replaces tyrosine, which is neutral and polar, with aspartic acid, which is acidic and polar, at codon 1703 of the BRCA1 protein (p.Tyr1703Asp).

Brotman Baty Institute, University of Washington
No classification provided (evidence only). Condition: Breast-ovarian cancer, familial 1. Last evaluated: 2024-02-26. Review status: no classification provided. Collection method: in vitro. Allele origin: not applicable. Functional consequence: functionally_abnormal. Not counted in ClinVar's aggregate classification.
Comment: To our knowledge, there are no reports of this variant in the literature in association with disease. This variant is absent in large population databases including the Genome Aggregation Database. This variant is located within the BRCT domain and is predicted to impact protein function (BayeDel >=0.28). It has been reported by one calibrated study to affect protein function similar to pathogenic control variants (Findlay et al. 2018). Using the ClinGen ENIGMA BRCA1 Expert Panel Specifications to the ACMG/AMP Variant Interpretation Guidelines for BRCA1 Version 1.1.0, this variant was classified as Likely Pathogenic (PS3_Strong, PM2_Supporting, PP3_Supporting, PP4_Supporting).

"Likely pathogenic" was previously submitted as the classification for the variant. However, the classification appeared to be based only on an observation of functional data so it was converted to no classification on 2025-07-30.

Sharing Clinical Reports Project (SCRP)
Classification: Uncertain significance for Breast-ovarian cancer, familial 1. Last evaluated: 2009-02-20. Review status: no assertion criteria provided. Collection method: clinical testing. Allele origin: germline. Not counted in ClinVar's aggregate classification.

Literature cited by the submitters: PubMed 30209399 (cited by Women's Health and Genetics/Laboratory Corporation of America, LabCorp and Labcorp Genetics (formerly Invitae), Labcorp); PubMed 25948282 (cited by Labcorp Genetics (formerly Invitae), Labcorp).